The following is an entry in ClinVar:

ClinVar aggregate classification (germline): Pathogenic. Review status: reviewed by expert panel (3 of 4 stars). 2 submissions from 2 submitters: Pathogenic (1). 1 of the submissions does not count toward it. Last evaluated 2016-10-18.

Conditions:
Breast-ovarian cancer, familial, susceptibility to, 1 (BROVCA1). Also called: BRCA1 Hereditary Breast and Ovarian Cancer; OVARIAN CANCER, SUSCEPTIBILITY TO. Identifiers: Orphanet 145, MedGen C2676676, MONDO:0011450, OMIM 604370. Disease mechanism: loss of function.

Submissions (2):

Evidence-based Network for the Interpretation of Germline Mutant Alleles (ENIGMA)
Classification: Pathogenic for Breast-ovarian cancer, familial, susceptibility to, 1. Last evaluated: 2016-10-18. Review status: reviewed by expert panel. Criteria: ENIGMA BRCA1/2 Classification Criteria (2015). Collection method: curation. Allele origin: germline.
Comment: Variant allele predicted to encode a truncated non-functional protein.

Consortium of Investigators of Modifiers of BRCA1/2 (CIMBA), c/o University of Cambridge
Classification: Pathogenic for Breast-ovarian cancer, familial, susceptibility to, 1. Last evaluated: 2015-10-02. Review status: criteria provided, single submitter. Criteria: CIMBA Mutation Classification guidelines May 2016. Collection method: clinical testing. Allele origin: germline. Not counted in ClinVar's aggregate classification.

NM_007294.4(BRCA1):c.4838_4839insC (p.Pro1614fs)

Gene: BRCA1 (BRCA1 DNA repair associated; minus strand). Cytogenetic location: 17q21.31.
Variant type: Insertion.
Coding change: c.4838_4839insC on transcript NM_007294.4 (MANE Select); coding-DNA positions 4838 to 4839, C inserted.
Protein change: p.Pro1614fs; shifts the reading frame from proline 1614.
Molecular consequence: frameshift variant. On other transcripts: non-coding transcript variant (1).
Genome position: GRCh38 VCF-style: chr17-43071075-A-AG. GRCh37 (hg19) VCF-style: chr17-41223092-A-AG.
Other names: 4957insC; c.1520_1521insC, p.Pro508Serfs (NM_001408407.1, NM_001408408.1, NM_001408406.1); c.1517_1518insC, p.Pro507Serfs (NM_001408409.1); c.1454_1455insC, p.Pro486Serfs (NM_001408410.1); c.1451_1452insC, p.Pro485Serfs (NM_001408411.1); c.1448_1449insC, p.Pro484Serfs (NM_001408412.1, NM_001408413.1, NM_001408414.1 and 2 more transcripts); c.1412_1413insC, p.Pro472Serfs (NM_001408418.1, NM_001408419.1, NM_001408420.1); c.1409_1410insC, p.Pro471Serfs (NM_001408421.1, NM_001408422.1, NM_001408423.1 and 1 more transcripts); and 74 more; short protein forms P1635fs, P1567fs, P1614fs, P510fs.
Identifiers: ClinVar variation 55300 (VCV000055300.7), dbSNP rs397509200, ClinGen allele CA003047.
Genomic context (GRCh38, chr17:43,071,075, plus strand): 5'-GCTCACACTTTCTTCCATTGCATTATACCCAGCAGTATCAGTAGTATGAGCAGCAGCTGG[A>AG]CTCTGGGCAGATTCTGCAACTTTCAATTGGGGAACTTTCAATGCAGAGGTTGAAGATGGT-3'